The following is an entry in ClinVar:

NM_015346.4(ZFYVE26):c.4025del (p.Arg1342fs)

Gene: ZFYVE26 (zinc finger FYVE-type containing 26; minus strand). Cytogenetic location: 14q24.1.
Variant type: Deletion.
Coding change: c.4025del on transcript NM_015346.4 (MANE Select); coding-DNA position 4025, one base deleted (G; older notation c.4025delG).
Protein change: p.Arg1342fs; shifts the reading frame from arginine 1342.
Molecular consequence: frameshift variant.
Genome position (GRCh38, 1-based): chr14:67,783,127, C deleted on the plus strand (G on the coding strand, the reverse complement: ZFYVE26 is on the minus strand). VCF-style (leftmost placement, unchanged base first): chr14-67783126-GC-G. GRCh37 (hg19) VCF-style: chr14-68249843-GC-G.
Other names: short protein forms R1342fs.
Identifiers: ClinVar variation 1451465 (VCV001451465.6), dbSNP rs2140223189, ClinGen allele CA2573150120.

ClinVar aggregate classification (germline): Pathogenic (1 of 4 stars; one submission).

Conditions:
Spastic paraplegia. Identifiers: MedGen C0037772, HP:0001258.

Submission:

Labcorp Genetics (formerly Invitae), Labcorp
Classification: Pathogenic for Spastic paraplegia. Last evaluated: 2021-09-09. Review status: criteria provided, single submitter. Criteria: Invitae Variant Classification Sherloc (09022015). Collection method: clinical testing. Allele origin: germline.
Comment: This variant is not present in population databases (ExAC no frequency). This sequence change creates a premature translational stop signal (p.Arg1342Profs*11) in the ZFYVE26 gene. It is expected to result in an absent or disrupted protein product. Loss-of-function variants in ZFYVE26 are known to be pathogenic (PMID: 18394578, 19805727). This variant has not been reported in the literature in individuals affected with ZFYVE26-related conditions. For these reasons, this variant has been classified as Pathogenic.

Literature cited by the submitters: PubMed 18394578; PubMed 19805727.